The following is an entry in ClinVar:

ClinVar aggregate classification (germline): Benign. Review status: criteria provided, multiple submitters, no conflicts (2 of 4 stars). 13 submissions from 13 submitters: Benign (9). 4 of the submissions do not count toward it. Last evaluated 2026-02-03.

Conditions:
Sotos syndrome (SOTOS). Also called: SOTOS SYNDROME 1; CEREBRAL GIGANTISM; Distinctive facial appearance, overgrowth in childhood, and learning disabilities or delayed development; CHROMOSOME 5q35 DELETION SYNDROME; Sotos' syndrome. Identifiers: Orphanet 821, MedGen C0175695, MONDO:0019349, OMIM 117550.
Inborn genetic diseases. Identifiers: MedGen C0950123, MeSH D030342.

Allele frequency attached by ClinVar (database versions not stated): 1000 Genomes Project 30x 0.01296; gnomAD exomes 0.02055; gnomAD 0.01809 and 0.01825; 1000 Genomes Project 0.01298; ESP Exome Variant Server 0.01807; ExAC 0.02092; TOPMed 0.01513.
gnomAD v4.1: 39,774 of 1,614,110 alleles (2.5%); highest among the groups gnomAD compares: Middle Eastern, 3.3%; 608 homozygotes.

Submissions (13):

Labcorp Genetics (formerly Invitae), Labcorp
Classification: Benign. Last evaluated: 2026-02-03. Review status: criteria provided, single submitter. Criteria: Invitae Variant Classification Sherloc (09022015). Collection method: clinical testing. Allele origin: germline.

Dasa
Classification: Benign. Last evaluated: 2025-11-21. Review status: criteria provided, single submitter. Criteria: DASA Assertion Criteria. Collection method: clinical testing. Allele origin: germline.
Comment: NM_022455.5(NSD1):c.2071G>A (p.Ala691Thr) is a missense variant that results in the substitution of alanine with threonine. Population frequency is inconsistent with a disease-causing role for this variant, and observations in unaffected individuals support a benign interpretation. Therefore, based on the currently available evidence, this variant is classified as benign.

Blueprint Genetics
Classification: Benign. Last evaluated: 2024-11-26. Review status: criteria provided, single submitter. Criteria: ACMG Guidelines, 2015. Collection method: clinical testing. Allele origin: germline.

Genome-Nilou Lab
Classification: Benign for Sotos syndrome. Last evaluated: 2021-07-15. Review status: criteria provided, single submitter. Criteria: ACMG Guidelines, 2015. Collection method: clinical testing. Allele origin: germline. Affected: no.

Ambry Genetics
Classification: Benign for Inborn genetic diseases. Last evaluated: 2016-06-29. Review status: criteria provided, single submitter. Criteria: Ambry Variant Classification Scheme 2023. Collection method: clinical testing. Allele origin: germline.

Genomic Diagnostic Laboratory, Division of Genomic Diagnostics, Children's Hospital of Philadelphia
Classification: Benign. Last evaluated: 2015-03-25. Review status: criteria provided, single submitter. Criteria: DGD Variant Analysis Guidelines. Collection method: clinical testing. Allele origin: unknown.

GeneDx
Classification: Benign. Last evaluated: 2015-03-03. Review status: criteria provided, single submitter. Criteria: GeneDx Variant Classification Process June 2021. Collection method: clinical testing. Allele origin: germline. Affected: yes.
Comment: This variant is associated with the following publications: (PMID: 28146470)

Genetic Services Laboratory, University of Chicago
Classification: Benign. Last evaluated: 2013-02-08. Review status: criteria provided, single submitter. Criteria: ACMG Guidelines, 2007. Collection method: clinical testing. Allele origin: germline. Inheritance: Autosomal dominant inheritance.

PreventionGenetics, part of Exact Sciences
Classification: Benign. Review status: criteria provided, single submitter. Criteria: ACMG Guidelines, 2015. Collection method: clinical testing. Allele origin: germline.

Clinical Genetics DNA and cytogenetics Diagnostics Lab, Erasmus MC, Erasmus Medical Center
Classification: Benign. Review status: no assertion criteria provided. Collection method: clinical testing. Allele origin: germline. Affected: yes. Study: VKGL Data-share Consensus. Not counted in ClinVar's aggregate classification.

Genome Diagnostics Laboratory, University Medical Center Utrecht
Classification: Benign. Review status: no assertion criteria provided. Collection method: clinical testing. Allele origin: germline. Affected: yes. Study: VKGL Data-share Consensus. Not counted in ClinVar's aggregate classification.

Joint Genome Diagnostic Labs from Nijmegen and Maastricht, Radboudumc and MUMC+
Classification: Benign. Review status: no assertion criteria provided. Collection method: clinical testing. Allele origin: germline. Affected: yes. Study: VKGL Data-share Consensus. Not counted in ClinVar's aggregate classification.

Laboratory of Diagnostic Genome Analysis, Leiden University Medical Center (LUMC)
Classification: Likely benign. Review status: no assertion criteria provided. Collection method: clinical testing. Allele origin: germline. Affected: yes. Study: VKGL Data-share Consensus. Not counted in ClinVar's aggregate classification.

NM_022455.5(NSD1):c.2071G>A (p.Ala691Thr)

Gene: NSD1 (nuclear receptor binding SET domain protein 1; plus strand). Cytogenetic location: 5q35.3.
Variant type: single nucleotide variant.
Coding change: c.2071G>A on transcript NM_022455.5 (MANE Select); coding-DNA position 2071, G replaced by A.
Protein change: p.Ala691Thr; replaces alanine 691 with threonine.
Molecular consequence: missense variant.
Genome position (GRCh38, 1-based): chr5:177,210,470, G>A. VCF-style: chr5-177210470-G-A. GRCh37 (hg19) VCF-style: chr5-176637471-G-A.
Other names: c.1198G>A, p.Ala400Thr (NM_001365684.2, NM_001409306.1, NM_001409307.1 and 3 more transcripts); c.2071G>A, p.Ala691Thr (NM_001409301.1, NM_001409302.1, NM_001409303.1); c.1651G>A, p.Ala551Thr (NM_001409304.1); c.1318G>A, p.Ala440Thr (NM_001409305.1); short protein forms A691T, A422T, A440T, A551T, A400T.
Identifiers: ClinVar variation 159279 (VCV000159279.29), dbSNP rs28932177, ClinGen allele CA248752.
Genomic context (GRCh38, chr5:177,210,470, plus strand): 5'-AGAACAGAGAACATGTTATCTATGCAGAAAAATGAAAAGATAAAGTATTCTAGGTTTGCT[G>A]CCACAAACACTAGGGTAAAAGCAAAACAGAAGCCTCTCATTAGTAACTCACATACAGACC-3'
Protein context (NP_071900.2, residues 681-701): NEKIKYSRFA[Ala691Thr]TNTRVKAKQK